The following is an entry in ClinVar:

ClinVar aggregate classification (germline): Uncertain significance. Review status: criteria provided, multiple submitters, no conflicts (2 of 4 stars). 3 submissions from 3 submitters: Uncertain significance (2). 1 of the submissions does not count toward it. Last evaluated 2022-07-08.

Conditions:
CFTR-related disorder (CFTR-RD). Also called: CFTR-related disorders; CFTR-related condition. Identifiers: MedGen C5924204, MONDO:7770004.
Cystic fibrosis (CF). Also called: MUCOVISCIDOSIS. Identifiers: Orphanet 586, MedGen C0010674, MONDO:0009061, OMIM 219700. Disease mechanism: loss of function.

Submissions (3):

Labcorp Genetics (formerly Invitae), Labcorp
Classification: Uncertain significance for Cystic fibrosis. Last evaluated: 2022-07-08. Review status: criteria provided, single submitter. Criteria: Invitae Variant Classification Sherloc (09022015). Collection method: clinical testing. Allele origin: germline.
Comment: This variant has not been reported in the literature in individuals affected with CFTR-related conditions. This sequence change replaces proline, which is neutral and non-polar, with leucine, which is neutral and non-polar, at codon 477 of the CFTR protein (p.Pro477Leu). This variant is not present in population databases (gnomAD no frequency). ClinVar contains an entry for this variant (Variation ID: 495897). Algorithms developed to predict the effect of missense changes on protein structure and function (SIFT, PolyPhen-2, Align-GVGD) all suggest that this variant is likely to be tolerated. In summary, the available evidence is currently insufficient to determine the role of this variant in disease. Therefore, it has been classified as a Variant of Uncertain Significance.

Women's Health and Genetics/Laboratory Corporation of America, LabCorp
Classification: Uncertain significance. Last evaluated: 2016-12-28. Review status: criteria provided, single submitter. Criteria: LabCorp Variant Classification Summary - May 2015. Collection method: clinical testing. Allele origin: germline.
Comment: Variant summary: The CFTR c.1430C>T (p.Pro477Leu) variant involves the alteration of a conserved nucleotide. 5/5 in silico tools predict a damaging outcome for this variant. This variant is absent in 121308 control chromosomes. The variant of interest has not, to our knowledge, been reported in affected individuals via publications and/or reputable databases/clinical diagnostic laboratories; nor evaluated for functional impact by in vivo/vitro studies. Because of the absence of clinical information and the lack of functional studies, the variant is classified as a variant of uncertain significance (VUS) until additional information becomes available.

Natera, Inc.
Classification: Uncertain significance for CFTR-related disorders. Last evaluated: 2018-11-06. Review status: no assertion criteria provided. Collection method: clinical testing. Allele origin: germline. Not counted in ClinVar's aggregate classification.

NM_000492.4(CFTR):c.1430C>T (p.Pro477Leu)

Genes: CFTR (CF transmembrane conductance regulator; plus strand), CFTR-AS1 (CFTR antisense RNA 1; minus strand). Cytogenetic location: 7q31.2.
Variant type: single nucleotide variant.
Coding change: c.1430C>T on transcript NM_000492.4 (MANE Select); coding-DNA position 1430, C replaced by T.
Protein change: p.Pro477Leu; replaces proline 477 with leucine.
Molecular consequence: missense variant.
Genome position (GRCh38, 1-based): chr7:117,559,501, C>T. VCF-style: chr7-117559501-C-T. GRCh37 (hg19) VCF-style: chr7-117199555-C-T.
Other names: short protein forms P477L.
Identifiers: ClinVar variation 495897 (VCV000495897.8), dbSNP rs886044297, ClinGen allele CA368984387.